The following is an entry in ClinVar:

NM_001134831.2(AHI1):c.2120C>G (p.Pro707Arg)

Gene: AHI1 (Abelson helper integration site 1; minus strand). Cytogenetic location: 6q23.3.
Variant type: single nucleotide variant.
Coding change: c.2120C>G on transcript NM_001134831.2 (MANE Select); coding-DNA position 2120, C replaced by G.
Protein change: p.Pro707Arg; replaces proline 707 with arginine.
Molecular consequence: missense variant.
Genome position (GRCh38, 1-based): chr6:135,433,173, G>C on the plus strand (C>G on the coding strand, the complement: AHI1 is on the minus strand). VCF-style: chr6-135433173-G-C. GRCh37 (hg19) VCF-style: chr6-135754311-G-C.
Other names: c.2120C>G, p.Pro707Arg (NM_001134830.2, NM_001134832.2, NM_001350503.2 and 2 more transcripts); short protein forms P707R.
Identifiers: ClinVar variation 1391976 (VCV001391976.5), dbSNP rs932386191, ClinGen allele CA148122523.

ClinVar aggregate classification (germline): Uncertain significance (1 of 4 stars; one submission).

Conditions:
Joubert syndrome. Also called: CEREBELLOPARENCHYMAL DISORDER IV; JOUBERT-BOLTSHAUSER SYNDROME; Familial aplasia of the vermis. Identifiers: Orphanet 475, MedGen C5979921, MONDO:0018772.

Allele frequency attached by ClinVar (database versions not stated): gnomAD exomes below 0.00001; TOPMed below 0.00001; gnomAD 0.00001.

Submission:

Labcorp Genetics (formerly Invitae), Labcorp
Classification: Uncertain significance for Joubert syndrome. Last evaluated: 2021-09-24. Review status: criteria provided, single submitter. Criteria: Invitae Variant Classification Sherloc (09022015). Collection method: clinical testing. Allele origin: germline.
Comment: This sequence change replaces proline with arginine at codon 707 of the AHI1 protein (p.Pro707Arg). The proline residue is highly conserved and there is a moderate physicochemical difference between proline and arginine. This variant is not present in population databases (ExAC no frequency). This variant has not been reported in the literature in individuals affected with AHI1-related conditions. Advanced modeling of protein sequence and biophysical properties (such as structural, functional, and spatial information, amino acid conservation, physicochemical variation, residue mobility, and thermodynamic stability) performed at Invitae indicates that this missense variant is expected to disrupt AHI1 protein function. In summary, the available evidence is currently insufficient to determine the role of this variant in disease. Therefore, it has been classified as a Variant of Uncertain Significance.